The following is an entry in ClinVar:

NM_201384.3(PLEC):c.9641A>G (p.Glu3214Gly)

Gene: PLEC (plectin; minus strand). Cytogenetic location: 8q24.3.
Variant type: single nucleotide variant.
Coding change: c.9641A>G on transcript NM_201384.3 (MANE Select); coding-DNA position 9641, A replaced by G.
Protein change: p.Glu3214Gly; replaces glutamic acid 3214 with glycine.
Molecular consequence: missense variant.
Genome position (GRCh38, 1-based): chr8:143,920,180, T>C on the plus strand (A>G on the coding strand, the complement: PLEC is on the minus strand). VCF-style: chr8-143920180-T-C. GRCh37 (hg19) VCF-style: chr8-144994348-T-C.
Other names: c.9722A>G, p.Glu3241Gly (NM_000445.5); c.6341A>G, p.Glu2114Gly (NM_001410941.1); c.9599A>G, p.Glu3200Gly (NM_201378.4); c.9575A>G, p.Glu3192Gly (NM_201379.3); c.10052A>G, p.Glu3351Gly (NM_201380.4); c.9545A>G, p.Glu3182Gly (NM_201381.3); c.9641A>G, p.Glu3214Gly (NM_201382.4); c.9653A>G, p.Glu3218Gly (NM_201383.3); and 1 more; short protein forms E3182G, E3214G, E3218G, E3241G, E2114G, E3192G, E3200G, E3351G.
Identifiers: ClinVar variation 2138173 (VCV002138173.11), dbSNP rs781855346, ClinGen allele CA4924905.

ClinVar aggregate classification (germline): Uncertain significance. Review status: criteria provided, multiple submitters, no conflicts (2 of 4 stars). 3 submissions from 3 submitters: Uncertain significance (3). Last evaluated 2026-01-12.

Conditions:
Inborn genetic diseases. Identifiers: MedGen C0950123, MeSH D030342.
Epidermolysis bullosa simplex, Ogna type (EBS5A). Also called: Pidermolysis bullosa simplex 5A, Ogna type; EPIDERMOLYSIS BULLOSA SIMPLEX 5A, OGNA TYPE. Identifiers: Orphanet 79401, MedGen C0432317, MONDO:0007555, OMIM 131950.
Epidermolysis bullosa simplex with nail dystrophy (EBS5D). Identifiers: MedGen C4225309, MONDO:0014661, OMIM 616487.
Epidermolysis bullosa simplex 5B, with muscular dystrophy (EBS5B). Also called: Epidermolysis bullosa simplex with muscular dystrophy; EPIDERMOLYSIS BULLOSA SIMPLEX AND LIMB-GIRDLE MUSCULAR DYSTROPHY. Identifiers: Orphanet 257, MedGen C2931072, MONDO:0009181, OMIM 226670.
Epidermolysis bullosa simplex 5C, with pyloric atresia (EBS5C). Also called: PLEC-Related Epidermolysis Bullosa with Pyloric Atresia; Epidermolysis bullosa simplex with pyloric atresia; PLEC1-Related Epidermolysis Bullosa with Pyloric Atresia. Identifiers: Orphanet 158684, MedGen C2677349, MONDO:0012807, OMIM 612138.
Autosomal recessive limb-girdle muscular dystrophy type 2Q (LGMDR17). Also called: MUSCULAR DYSTROPHY, LIMB-GIRDLE, AUTOSOMAL RECESSIVE 17. Identifiers: Orphanet 254361, MedGen C3150989, MONDO:0013390, OMIM 613723.

Allele frequency attached by ClinVar (database versions not stated): ExAC 0.00002; gnomAD 0.00004; TOPMed 0.00004.
gnomAD v4.1: 92 of 1,611,860 alleles (0.0057%); highest among the groups gnomAD compares: Non-Finnish European, 0.0076%; no homozygotes.

Submissions (3):

Labcorp Genetics (formerly Invitae), Labcorp
Classification: Uncertain significance for Autosomal recessive limb-girdle muscular dystrophy type 2Q; Epidermolysis bullosa simplex, Ogna type; Epidermolysis bullosa simplex with nail dystrophy; Epidermolysis bullosa simplex 5C, with pyloric atresia; Epidermolysis bullosa simplex 5B, with muscular dystrophy. Last evaluated: 2026-01-12. Review status: criteria provided, single submitter. Criteria: Invitae Variant Classification Sherloc (09022015). Collection method: clinical testing. Allele origin: germline.
Comment: This sequence change replaces glutamic acid, which is acidic and polar, with glycine, which is neutral and non-polar, at codon 3241 of the PLEC protein (p.Glu3241Gly). This variant is present in population databases (rs781855346, gnomAD 0.004%). This variant has not been reported in the literature in individuals affected with PLEC-related conditions. ClinVar contains an entry for this variant (Variation ID: 2138173). An algorithm developed to predict the effect of missense changes on protein structure and function (PolyPhen-2) suggests that this variant is likely to be disruptive. In summary, the available evidence is currently insufficient to determine the role of this variant in disease. Therefore, it has been classified as a Variant of Uncertain Significance.

CeGaT Center for Human Genetics Tuebingen
Classification: Uncertain significance. Last evaluated: 2025-11-01. Review status: criteria provided, single submitter. Criteria: CeGaT Center For Human Genetics Tuebingen Variant Classification Criteria Version 2. Collection method: clinical testing. Allele origin: germline. Affected: yes. Observed: 1 variant allele.
Comment: PLEC: PM2, BP4

Ambry Genetics
Classification: Uncertain significance for Inborn genetic diseases. Last evaluated: 2025-08-07. Review status: criteria provided, single submitter. Criteria: Ambry Variant Classification Scheme 2023. Collection method: clinical testing. Allele origin: germline.